The following is an entry in ClinVar:

ClinVar aggregate classification (germline): Conflicting classifications of pathogenicity. Review status: criteria provided, conflicting classifications (1 of 4 stars). 2 submissions from 2 submitters: Uncertain significance (1); Likely benign (1). Last evaluated 2022-08-20.

gnomAD v4.1: 13 of 1,613,660 alleles (0.00081%); highest among the groups gnomAD compares: Non-Finnish European, 0.0011%; no homozygotes.

Submissions (2):

Labcorp Genetics (formerly Invitae), Labcorp
Classification: Uncertain significance. Last evaluated: 2022-08-20. Review status: criteria provided, single submitter. Criteria: Invitae Variant Classification Sherloc (09022015). Collection method: clinical testing. Allele origin: germline.
Comment: This sequence change replaces histidine, which is basic and polar, with glutamine, which is neutral and polar, at codon 757 of the OCA2 protein (p.His757Gln). This variant is present in population databases (no rsID available, gnomAD 0.002%). This variant has not been reported in the literature in individuals affected with OCA2-related conditions. Advanced modeling of protein sequence and biophysical properties (such as structural, functional, and spatial information, amino acid conservation, physicochemical variation, residue mobility, and thermodynamic stability) performed at Invitae indicates that this missense variant is not expected to disrupt OCA2 protein function. In summary, the available evidence is currently insufficient to determine the role of this variant in disease. Therefore, it has been classified as a Variant of Uncertain Significance.

Blueprint Genetics
Classification: Likely benign. Last evaluated: 2022-03-24. Review status: criteria provided, single submitter. Criteria: ACMG Guidelines, 2015. Collection method: clinical testing. Allele origin: germline.

NM_000275.3(OCA2):c.2271C>G (p.His757Gln)

Gene: OCA2 (OCA2 melanosomal transmembrane protein; minus strand). Cytogenetic location: 15q13.1.
Variant type: single nucleotide variant.
Coding change: c.2271C>G on transcript NM_000275.3 (MANE Select); coding-DNA position 2271, C replaced by G.
Protein change: p.His757Gln; replaces histidine 757 with glutamine.
Molecular consequence: missense variant.
Genome position (GRCh38, 1-based): chr15:27,851,449, G>C on the plus strand (C>G on the coding strand, the complement: OCA2 is on the minus strand). VCF-style: chr15-27851449-G-C. GRCh37 (hg19) VCF-style: chr15-28096595-G-C.
Other names: c.2199C>G, p.His733Gln (NM_001300984.2); short protein forms H733Q, H757Q.
Identifiers: ClinVar variation 1939753 (VCV001939753.3), dbSNP rs148894313, ClinGen allele CA267845212.